The following is an entry in ClinVar:

NM_139281.3(WDR36):c.1326+1111G>T

Gene: WDR36 (WD repeat domain 36; plus strand). Cytogenetic location: 5q22.1.
Variant type: single nucleotide variant.
Coding change: c.1326+1111G>T on transcript NM_139281.3 (MANE Select); 1111 bases into the intron after coding-DNA position 1326, G replaced by T.
Molecular consequence: intron variant.
Genome position (GRCh38, 1-based): chr5:111,108,550, G>T. VCF-style: chr5-111108550-G-T. GRCh37 (hg19) VCF-style: chr5-110444249-G-T.
Identifiers: ClinVar variation 1287197 (VCV001287197.1), dbSNP rs13178997, ClinGen allele CA11939641.

ClinVar aggregate classification (germline): Benign (1 of 4 stars; one submission).

Allele frequency attached by ClinVar (database versions not stated): TOPMed 0.52357; gnomAD 0.52361 and 0.52629; 1000 Genomes Project 0.56629; 1000 Genomes Project 30x 0.57074.
gnomAD v4.1: 79,262 of 150,954 alleles (53%); highest among the groups gnomAD compares: South Asian, 67%; 21,593 homozygotes.

Submission:

GeneDx
Classification: Benign. Last evaluated: 2019-04-20. Review status: criteria provided, single submitter. Criteria: GeneDx Variant Classification Process June 2021. Collection method: clinical testing. Allele origin: germline. Affected: yes.
Comment: This variant is associated with the following publications: (PMID: 29104481)